The following is an entry in ClinVar:

NM_014975.3(MAST1):c.2624G>T (p.Gly875Val)

Gene: MAST1 (microtubule associated serine/threonine kinase 1; plus strand). Cytogenetic location: 19p13.13.
Variant type: single nucleotide variant.
Coding change: c.2624G>T on transcript NM_014975.3 (MANE Select); coding-DNA position 2624, G replaced by T.
Protein change: p.Gly875Val; replaces glycine 875 with valine.
Molecular consequence: missense variant.
Genome position (GRCh38, 1-based): chr19:12,868,700, G>T. VCF-style: chr19-12868700-G-T. GRCh37 (hg19) VCF-style: chr19-12979514-G-T.
Other names: short protein forms G875V.
Identifiers: ClinVar variation 4720837 (VCV004720837.1).

ClinVar aggregate classification (germline): Uncertain significance (1 of 4 stars; one submission).

Submission:

Labcorp Genetics (formerly Invitae), Labcorp
Classification: Uncertain significance. Last evaluated: 2025-06-18. Review status: criteria provided, single submitter. Criteria: Invitae Variant Classification Sherloc (09022015). Collection method: clinical testing. Allele origin: germline.
Comment: This sequence change replaces glycine, which is neutral and non-polar, with valine, which is neutral and non-polar, at codon 875 of the MAST1 protein (p.Gly875Val). This variant is not present in population databases (gnomAD no frequency). This variant has not been reported in the literature in individuals affected with MAST1-related conditions. An algorithm developed to predict the effect of missense changes on protein structure and function (PolyPhen-2) suggests that this variant is likely to be tolerated. In summary, the available evidence is currently insufficient to determine the role of this variant in disease. Therefore, it has been classified as a Variant of Uncertain Significance.